The following is an entry in ClinVar:

NM_025179.4(PLXNA2):c.890C>T (p.Pro297Leu)

Gene: PLXNA2 (plexin A2; minus strand). Cytogenetic location: 1q32.2.
Variant type: single nucleotide variant.
Coding change: c.890C>T on transcript NM_025179.4 (MANE Select); coding-DNA position 890, C replaced by T.
Protein change: p.Pro297Leu; replaces proline 297 with leucine.
Molecular consequence: missense variant.
Genome position (GRCh38, 1-based): chr1:208,217,033, G>A on the plus strand (C>T on the coding strand, the complement: PLXNA2 is on the minus strand). VCF-style: chr1-208217033-G-A. GRCh37 (hg19) VCF-style: chr1-208390378-G-A.
Other names: short protein forms P297L.
Identifiers: ClinVar variation 4990909 (VCV004990909.1).
Genomic context (GRCh38, chr1:208,217,033, plus strand): 5'-TTGGCCAGGTAAGCAGCCTGCAGGAGGCGGTATTCCACCCCGGCCCGGGTGCAGCCGAAG[G>A]GCAGGGACACGTATGAGTGGAACTTGGGGTCATCCTTGCAGAGCCGCACGATGCGTGAGG-3'
Protein context (NP_079455.3, residues 287-307): DPKFHSYVSL[Pro297Leu]FGCTRAGVEY

ClinVar aggregate classification (germline): Uncertain significance (1 of 4 stars; one submission).

Conditions:
PLXNA2-related disorder. Also called: PLXNA2-related condition.

Submission:

PreventionGenetics, part of Exact Sciences
Classification: Uncertain significance for PLXNA2-related condition. Last evaluated: 2025-12-19. Review status: criteria provided, single submitter. Criteria: ACMG Guidelines, 2015. Collection method: clinical testing. Allele origin: germline.
Comment: The PLXNA2 c.890C>T variant is predicted to result in the amino acid substitution p.Pro297Leu. To our knowledge, this variant has not been reported in the literature. This variant is reported in 0.0% of alleles in individuals of African descent in gnomAD. At this time, the clinical significance of this variant is uncertain due to the absence of conclusive functional and genetic evidence.